The following is an entry in ClinVar:

NM_017838.4(NHP2):c.204G>T (p.Gln68His)

Gene: NHP2 (NHP2 ribonucleoprotein; minus strand). Cytogenetic location: 5q35.3.
Variant type: single nucleotide variant.
Coding change: c.204G>T on transcript NM_017838.4 (MANE Select); coding-DNA position 204, G replaced by T.
Protein change: p.Gln68His; replaces glutamine 68 with histidine.
Molecular consequence: missense variant.
Genome position (GRCh38, 1-based): chr5:178,153,517, C>A on the plus strand (G>T on the coding strand, the complement: NHP2 is on the minus strand). VCF-style: chr5-178153517-C-A. GRCh37 (hg19) VCF-style: chr5-177580518-C-A.
Other names: c.204G>T, p.Gln68His (NM_001034833.2, NM_001396110.1); short protein forms Q68H.
Identifiers: ClinVar variation 2057866 (VCV002057866.1), dbSNP rs2480691009, ClinGen allele CA362392416.

ClinVar aggregate classification (germline): Uncertain significance (1 of 4 stars; one submission).

Conditions:
Dyskeratosis congenita. Identifiers: Orphanet 1775, MedGen C0265965, MONDO:0015780.

Submission:

Labcorp Genetics (formerly Invitae), Labcorp
Classification: Uncertain significance for Dyskeratosis congenita. Last evaluated: 2022-08-04. Review status: criteria provided, single submitter. Criteria: Invitae Variant Classification Sherloc (09022015). Collection method: clinical testing. Allele origin: germline.
Comment: This sequence change replaces glutamine, which is neutral and polar, with histidine, which is basic and polar, at codon 68 of the NHP2 protein (p.Gln68His). This variant is not present in population databases (gnomAD no frequency). This variant has not been reported in the literature in individuals affected with NHP2-related conditions. Algorithms developed to predict the effect of missense changes on protein structure and function are either unavailable or do not agree on the potential impact of this missense change (SIFT: "Deleterious"; PolyPhen-2: "Probably Damaging"; Align-GVGD: "Class C0"). In summary, the available evidence is currently insufficient to determine the role of this variant in disease. Therefore, it has been classified as a Variant of Uncertain Significance.